The following is an entry in ClinVar:

ClinVar aggregate classification (germline): Conflicting classifications of pathogenicity. Review status: criteria provided, conflicting classifications (1 of 4 stars). 3 submissions from 3 submitters: Uncertain significance (1); Likely benign (2). Last evaluated 2024-05-28.

Conditions:
Inborn genetic diseases. Identifiers: MedGen C0950123, MeSH D030342.

Allele frequency attached by ClinVar (database versions not stated): TOPMed 0.00003; gnomAD 0.00005; gnomAD exomes 0.00008; ExAC 0.00010.
gnomAD v4.1: 121 of 1,613,404 alleles (0.0075%); highest among the groups gnomAD compares: South Asian, 0.077%; no homozygotes.

Submissions (3):

Blueprint Genetics
Classification: Likely benign. Last evaluated: 2024-05-28. Review status: criteria provided, single submitter. Criteria: ACMG Guidelines, 2015. Collection method: clinical testing. Allele origin: germline.

Labcorp Genetics (formerly Invitae), Labcorp
Classification: Uncertain significance. Last evaluated: 2022-10-24. Review status: criteria provided, single submitter. Criteria: Invitae Variant Classification Sherloc (09022015). Collection method: clinical testing. Allele origin: germline.
Comment: In summary, the available evidence is currently insufficient to determine the role of this variant in disease. Therefore, it has been classified as a Variant of Uncertain Significance. Advanced modeling of protein sequence and biophysical properties (such as structural, functional, and spatial information, amino acid conservation, physicochemical variation, residue mobility, and thermodynamic stability) performed at Invitae indicates that this missense variant is not expected to disrupt VPS13D protein function. This variant has not been reported in the literature in individuals affected with VPS13D-related conditions. This variant is present in population databases (rs749998722, gnomAD 0.07%). This sequence change replaces valine, which is neutral and non-polar, with isoleucine, which is neutral and non-polar, at codon 3257 of the VPS13D protein (p.Val3257Ile).

Ambry Genetics
Classification: Likely benign for Inborn genetic diseases. Last evaluated: 2022-01-27. Review status: criteria provided, single submitter. Criteria: Ambry Variant Classification Scheme 2023. Collection method: clinical testing. Allele origin: germline.

NM_015378.4(VPS13D):c.9769G>A (p.Val3257Ile)

Gene: VPS13D (vacuolar protein sorting 13 homolog D; plus strand). Cytogenetic location: 1p36.22.
Variant type: single nucleotide variant.
Coding change: c.9769G>A on transcript NM_015378.4 (MANE Select); coding-DNA position 9769, G replaced by A.
Protein change: p.Val3257Ile; replaces valine 3257 with isoleucine.
Molecular consequence: missense variant.
Genome position (GRCh38, 1-based): chr1:12,355,988, G>A. VCF-style: chr1-12355988-G-A. GRCh37 (hg19) VCF-style: chr1-12416045-G-A.
Other names: c.9694G>A, p.Val3232Ile (NM_018156.4); c.9769G>A (NM_015378.2); short protein forms V3232I, V3257I.
Identifiers: ClinVar variation 2370721 (VCV002370721.7), dbSNP rs749998722, ClinGen allele CA603502.